The following is an entry in ClinVar:

NM_005236.3(ERCC4):c.*558A>C

Gene: ERCC4 (ERCC excision repair 4, endonuclease catalytic subunit; plus strand). Cytogenetic location: 16p13.12.
Variant type: single nucleotide variant.
Coding change: c.*558A>C on transcript NM_005236.3 (MANE Select); 558 bases downstream of the stop codon, A replaced by C.
Molecular consequence: 3 prime UTR variant.
Genome position (GRCh38, 1-based): chr16:13,948,905, A>C. VCF-style: chr16-13948905-A-C. GRCh37 (hg19) VCF-style: chr16-14042762-A-C.
Identifiers: ClinVar variation 317832 (VCV000317832.5), dbSNP rs376791839, ClinGen allele CA10637063.
Genomic context (GRCh38, chr16:13,948,905, plus strand): 5'-GTCTGCTGGACGCTTGAACTGATGTTTGTGTAGGAAATCATGTTCTGACCCTTTGTCTAC[A>C]AAGGAGCCTTCTGGAACACTGAGAAGAAACATCTCTTTGCCATTCCTGACCAGTTCTCTC-3'

ClinVar aggregate classification (germline): Likely benign (1 of 4 stars; one submission).

Conditions:
Xeroderma pigmentosum, group F (XPF). Also called: XERODERMA PIGMENTOSUM, COMPLEMENTATION GROUP F; XERODERMA PIGMENTOSUM VI; XP, GROUP F; ERCC4-Related Xeroderma Pigmentosum; XERODERMA PIGMENTOSUM, TYPE F; Xeroderma pigmentosum, type 6. Identifiers: MedGen C0268140, MONDO:0010215, OMIM 278760.

Allele frequency attached by ClinVar (database versions not stated): gnomAD exomes 0.00004; TOPMed 0.00004; 1000 Genomes Project 30x 0.00172; 1000 Genomes Project 0.00200.
gnomAD v4.1: 36 of 232,660 alleles (0.015%); highest among the groups gnomAD compares: East Asian, 0.13%; 1 homozygote.

Submission:

Illumina Laboratory Services, Illumina
Classification: Likely benign for Xeroderma pigmentosum, group F. Last evaluated: 2018-01-13. Review status: criteria provided, single submitter. Criteria: ICSL Variant Classification Criteria 13 December 2019. Collection method: clinical testing. Allele origin: germline.
Comment: This variant was observed in the ICSL laboratory as part of a predisposition screen in an ostensibly healthy population. It had not been previously curated by ICSL or reported in the Human Gene Mutation Database (HGMD: prior to June 1st, 2018), and was therefore a candidate for classification through an automated scoring system. Utilizing variant allele frequency, disease prevalence and penetrance estimates, and inheritance mode, an automated score was calculated to assess if this variant is too frequent to cause the disease. Based on the score and internal cut-off values, a variant classified as likely benign is not then subjected to further curation. The score for this variant resulted in a classification of likely benign for this disease.